The following is an entry in ClinVar:

ClinVar aggregate classification (germline): Likely benign. Review status: criteria provided, multiple submitters, no conflicts (2 of 4 stars). 2 submissions from 2 submitters: Likely benign (2). Last evaluated 2023-12-13.

Conditions:
Ehlers-Danlos syndrome, type 4 (EDSVASC). Also called: Ehlers-Danlos syndrome vascular type; Ehlers Danlos syndrome, ecchymotic type; Ehlers Danlos syndrome, arterial type; Ehlers Danlos syndrome, Sack-Barabas type; Ehlers-Danlos Syndrome Type IV. Identifiers: Orphanet 286, MedGen C0268338, MONDO:0017314, OMIM 130050.

gnomAD v4.1: 1 of 1,551,030 alleles (0.000064%); no homozygotes.

Submissions (2):

All of Us Research Program, National Institutes of Health
Classification: Likely benign for Ehlers-Danlos syndrome, type 4. Last evaluated: 2023-12-13. Review status: criteria provided, single submitter. Criteria: ACMG Guidelines, 2015. Collection method: clinical testing. Allele origin: germline. Inheritance: Autosomal dominant inheritance. Observed: 1 variant allele, 1 heterozygote.
Comment: This study involves interpretation of variants in research participants for the purpose of population health screening. Participant phenotype was not available at the time of variant classification. Additional details can be found in publication PMID: 35346344, PMCID: PMC8962531

Labcorp Genetics (formerly Invitae), Labcorp
Classification: Likely benign for Ehlers-Danlos syndrome, type 4. Last evaluated: 2022-11-22. Review status: criteria provided, single submitter. Criteria: Invitae Variant Classification Sherloc (09022015). Collection method: clinical testing. Allele origin: germline.

NM_000090.4(COL3A1):c.1510-4T>C

Genes: COL3A1 (collagen type III alpha 1 chain; plus strand), MIR3606 (microRNA 3606; plus strand). Cytogenetic location: 2q32.2.
Variant type: single nucleotide variant.
Coding change: c.1510-4T>C on transcript NM_000090.4 (MANE Select); 4 bases into the intron before coding-DNA position 1510, T replaced by C.
Molecular consequence: intron variant. On other transcripts: non-coding transcript variant (1).
Genome position (GRCh38, 1-based): chr2:188,995,688, T>C. VCF-style: chr2-188995688-T-C. GRCh37 (hg19) VCF-style: chr2-189860414-T-C.
Identifiers: ClinVar variation 1119668 (VCV001119668.10), dbSNP rs529479786, ClinGen allele CA62596849.